The following is an entry in ClinVar:

NM_006005.3(WFS1):c.2141A>T (p.Asn714Ile)

Gene: WFS1 (wolframin ER transmembrane glycoprotein; plus strand). Cytogenetic location: 4p16.1.
Variant type: single nucleotide variant.
Coding change: c.2141A>T on transcript NM_006005.3 (MANE Select); coding-DNA position 2141, A replaced by T.
Protein change: p.Asn714Ile; replaces asparagine 714 with isoleucine.
Molecular consequence: missense variant.
Genome position (GRCh38, 1-based): chr4:6,301,936, A>T. VCF-style: chr4-6301936-A-T. GRCh37 (hg19) VCF-style: chr4-6303663-A-T.
Other names: c.2141A>T, p.Asn714Ile (NM_001145853.1); short protein forms N714I.
Identifiers: ClinVar variation 3252699 (VCV003252699.2), dbSNP rs397517196.

ClinVar aggregate classification (germline): Likely pathogenic (1 of 4 stars; one submission).

Submission:

GeneDx
Classification: Likely pathogenic. Last evaluated: 2026-04-14. Review status: criteria provided, single submitter. Criteria: GeneDx Variant Classification Process June 2021. Collection method: clinical testing. Allele origin: germline.
Comment: Identified in the heterozygous state in a patient with hearing loss in published literature (PMID: 26969326); Not observed at significant frequency in large population cohorts (gnomAD); In silico analysis supports that this missense variant has a deleterious effect on protein structure/function; This variant is associated with the following publications: (PMID: 26969326)